The following is an entry in ClinVar:

NM_001376256.1(CRYM):c.515A>G (p.Glu172Gly)

Gene: CRYM (crystallin mu; minus strand). Cytogenetic location: 16p12.2.
Variant type: single nucleotide variant.
Coding change: c.515A>G on transcript NM_001376256.1 (MANE Select); coding-DNA position 515, A replaced by G.
Protein change: p.Glu172Gly; replaces glutamic acid 172 with glycine.
Molecular consequence: missense variant.
Genome position (GRCh38, 1-based): chr16:21,267,712, T>C on the plus strand (A>G on the coding strand, the complement: CRYM is on the minus strand). VCF-style: chr16-21267712-T-C. GRCh37 (hg19) VCF-style: chr16-21279033-T-C.
Other names: c.515A>G, p.Glu172Gly (NM_001888.5); c.515A>G (NM_001888.3); short protein forms E172G.
Identifiers: ClinVar variation 3685478 (VCV003685478.3).

ClinVar aggregate classification (germline): Uncertain significance. Review status: criteria provided, multiple submitters, no conflicts (2 of 4 stars). 2 submissions from 2 submitters: Uncertain significance (2). Last evaluated 2025-07-15.

gnomAD v4.1: 3 of 1,614,238 alleles (0.00019%); no homozygotes.

Submissions (2):

Ambry Genetics
Classification: Uncertain significance. Last evaluated: 2025-07-15. Review status: criteria provided, single submitter. Criteria: Ambry Variant Classification Scheme 2023. Collection method: clinical testing. Allele origin: germline.

Labcorp Genetics (formerly Invitae), Labcorp
Classification: Uncertain significance. Last evaluated: 2024-03-12. Review status: criteria provided, single submitter. Criteria: Invitae Variant Classification Sherloc (09022015). Collection method: clinical testing. Allele origin: germline.
Comment: This sequence change replaces glutamic acid, which is acidic and polar, with glycine, which is neutral and non-polar, at codon 172 of the CRYM protein (p.Glu172Gly). This variant is not present in population databases (gnomAD no frequency). This variant has not been reported in the literature in individuals affected with CRYM-related conditions. Advanced modeling of protein sequence and biophysical properties (such as structural, functional, and spatial information, amino acid conservation, physicochemical variation, residue mobility, and thermodynamic stability) performed at Invitae indicates that this missense variant is not expected to disrupt CRYM protein function with a negative predictive value of 80%. In summary, the available evidence is currently insufficient to determine the role of this variant in disease. Therefore, it has been classified as a Variant of Uncertain Significance.